The following is an entry in ClinVar:

ClinVar aggregate classification (germline): Likely pathogenic (1 of 4 stars; one submission).

Conditions:
Autosomal recessive limb-girdle muscular dystrophy type 2J (LGMDR10). Also called: Limb-girdle muscular dystrophy, type 2J; MUSCULAR DYSTROPHY, LIMB-GIRDLE, AUTOSOMAL RECESSIVE 10. Identifiers: Orphanet 140922, MedGen C1837342, MONDO:0012127, OMIM 608807.
Dilated cardiomyopathy 1G (CMD1G). Identifiers: Orphanet 154, MedGen C1858763, MONDO:0011400, OMIM 604145.

Submission:

Labcorp Genetics (formerly Invitae), Labcorp
Classification: Likely pathogenic for Dilated cardiomyopathy 1G; Autosomal recessive limb-girdle muscular dystrophy type 2J. Last evaluated: 2024-10-18. Review status: criteria provided, single submitter. Criteria: Invitae Variant Classification Sherloc (09022015). Collection method: clinical testing. Allele origin: germline.
Comment: This sequence change creates a premature translational stop signal (p.Pro12112Leufs*46) in the TTN gene. While this is not anticipated to result in nonsense mediated decay, it is expected to create a truncated TTN protein. This variant is not present in population databases (gnomAD no frequency). This variant has not been reported in the literature in individuals affected with TTN-related conditions. This variant is located in the I band of TTN (PMID: 25589632). Truncating variants in this region have been reported in individuals affected with autosomal recessive centronuclear myopathy (PMID: 23975875, internal data). Truncating variants in this region have also been identified in individuals affected with autosomal dominant dilated cardiomyopathy and/or cardio-related conditions (PMID: 27869827, 32964742, internal data). In summary, the currently available evidence indicates that the variant is pathogenic, but additional data are needed to prove that conclusively. Therefore, this variant has been classified as Likely Pathogenic.

Literature cited by the submitters: PubMed 25589632; PubMed 23975875; PubMed 27869827; PubMed 32964742.

NM_001267550.2(TTN):c.36335del (p.Pro12112fs)

Gene: TTN (titin; minus strand). Cytogenetic location: 2q31.2.
Variant type: Deletion.
Coding change: c.36335del on transcript NM_001267550.2 (MANE Select); coding-DNA position 36335, one base deleted (C; older notation c.36335delC).
Protein change: p.Pro12112fs; shifts the reading frame from proline 12112.
Molecular consequence: frameshift variant. On other transcripts: intron variant (5).
Genome position (GRCh38, 1-based): chr2:178,664,044, G deleted on the plus strand (C on the coding strand, the reverse complement: TTN is on the minus strand); the first of 2 consecutive G bases (chr2:178,664,044-178,664,045); deleting either gives the same sequence. VCF-style (leftmost placement, unchanged base first): chr2-178664043-AG-A. GRCh37 (hg19) VCF-style: chr2-179528770-AG-A.
Other names: c.13283-21727del (NM_003319.4); c.13859-21727del (NM_133437.4); c.13658-21727del (NM_133432.3); c.31484-989del (NM_133378.4); c.34265-989del (NM_001256850.1); short protein forms P12112fs.
Identifiers: ClinVar variation 3751998 (VCV003751998.2).
Genomic context (GRCh38, chr2:178,664,043, plus strand): 5'-GTCTTCTGAAGCCTAAAGTCAGTGACAAATACCTTTAACAGGTGGGACTTCAGGCTTTTT[AG>A]GAGGCACCACCGACACTTTCTTTTCAGGGATAATCTCTTTGGGAGCTTCGTGCACTTGAA-3'